The following is an entry in ClinVar:

NM_000548.5(TSC2):c.1309G>A (p.Ala437Thr)

Gene: TSC2 (TSC complex subunit 2; plus strand). Cytogenetic location: 16p13.3.
Variant type: single nucleotide variant.
Coding change: c.1309G>A on transcript NM_000548.5 (MANE Select); coding-DNA position 1309, G replaced by A.
Protein change: p.Ala437Thr; replaces alanine 437 with threonine.
Molecular consequence: missense variant. On other transcripts: 5 prime UTR variant (10), non-coding transcript variant (5).
Genome position (GRCh38, 1-based): chr16:2,062,548, G>A. VCF-style: chr16-2062548-G-A. GRCh37 (hg19) VCF-style: chr16-2112549-G-A.
Other names: c.1309G>A, p.Ala437Thr (NM_001077183.3, NM_001114382.3, NM_001363528.2 and 6 more transcripts); c.1198G>A, p.Ala400Thr (NM_001318827.2, NM_001406670.1, NM_001406678.1); c.1162G>A, p.Ala388Thr (NM_001318829.2, NM_001406675.1, NM_001406676.1 and 1 more transcripts); c.709G>A, p.Ala237Thr (NM_001318831.2, NM_001406680.1, NM_001406682.1 and 6 more transcripts); c.1342G>A, p.Ala448Thr (NM_001318832.2); c.1399G>A, p.Ala467Thr (NM_001406667.1, NM_001406668.1); c.1297G>A, p.Ala433Thr (NM_001406671.1, NM_001406673.1); c.1252G>A, p.Ala418Thr (NM_001406677.1); and 3 more; short protein forms A237T, A283T, A388T, A400T, A418T, A433T, A437T, A448T.
Identifiers: ClinVar variation 4758860 (VCV004758860.1).
Genomic context (GRCh38, chr16:2,062,548, plus strand): 5'-TTTTGACAGGAGTCCTCCCTCCTGAACCTGATCTCCTATAGAGCGCAGTCCATCCACCCG[G>A]CCAAGGACGGCTGGATTCAGAACCTGCAGGCGCTGATGGAGAGATTCTTCAGGTAGGGGG-3'
Protein context (NP_000539.2, residues 427-447): ISYRAQSIHP[Ala437Thr]KDGWIQNLQA

ClinVar aggregate classification (germline): Uncertain significance (1 of 4 stars; one submission).

Conditions:
Tuberous sclerosis syndrome (TSC). Also called: Tuberous Sclerosis Complex; Tuberous sclerosis. Identifiers: Orphanet 805, MedGen C0041341, MONDO:0001734.

Submission:

Color Diagnostics, LLC DBA Color Health
Classification: Uncertain significance for Tuberous sclerosis syndrome. Last evaluated: 2025-07-15. Review status: criteria provided, single submitter. Criteria: ACMG Guidelines, 2015. Collection method: clinical testing. Allele origin: germline.
Comment: This missense variant replaces alanine with threonine at codon 437 of the TSC2 protein. Computational prediction suggests that this variant may not impact protein structure and function. To our knowledge, functional studies have not been reported for this variant. This variant has not been reported in individuals affected with TSC2-related disorders in the literature. This variant has not been identified in the general population by the Genome Aggregation Database (gnomAD). The available evidence is insufficient to determine the role of this variant in disease conclusively. Therefore, this variant is classified as a Variant of Uncertain Significance.